The following is an entry in ClinVar:

ClinVar aggregate classification (germline): Likely benign (0 of 4 stars; one submission).

Conditions:
PLXNA4-related disorder. Also called: PLXNA4-related condition.

Allele frequency attached by ClinVar (database versions not stated): gnomAD exomes 0.00008; ExAC 0.00022; gnomAD 0.00024; 1000 Genomes Project 30x 0.00031; ESP Exome Variant Server 0.00031; TOPMed 0.00034; 1000 Genomes Project 0.00040.
gnomAD v4.1: 155 of 1,613,486 alleles (0.0096%); highest among the groups gnomAD compares: Admixed American, 0.082%; 1 homozygote.

Submission:

PreventionGenetics, part of Exact Sciences
Classification: Likely benign for PLXNA4-related condition. Last evaluated: 2021-07-26. Review status: no assertion criteria provided. Collection method: clinical testing. Allele origin: germline.
Comment: This variant is classified as likely benign based on ACMG/AMP sequence variant interpretation guidelines (Richards et al. 2015 PMID: 25741868, with internal and published modifications).

NM_020911.2(PLXNA4):c.3711C>T (p.Pro1237=)

Gene: PLXNA4 (plexin A4; minus strand). Cytogenetic location: 7q32.3.
Variant type: single nucleotide variant.
Coding change: c.3711C>T on transcript NM_020911.2 (MANE Select); coding-DNA position 3711, C replaced by T.
Protein change: p.Pro1237=; no amino-acid change (proline 1237 retained).
Molecular consequence: synonymous variant.
Genome position (GRCh38, 1-based): chr7:132,179,850, G>A on the plus strand (C>T on the coding strand, the complement: PLXNA4 is on the minus strand). VCF-style: chr7-132179850-G-A. GRCh37 (hg19) VCF-style: chr7-131864609-G-A.
Other names: c.3711C>T, p.Pro1237= (NM_001393897.1).
Identifiers: ClinVar variation 3050948 (VCV003050948.2), dbSNP rs145089173, ClinGen allele CA4489403.
Genomic context (GRCh38, chr7:132,179,850, plus strand): 5'-GAGCACGGCCACGATGAAAATGATGAGGAGGCCGCCAGCCACTGCGATGCTGACGATGGC[G>A]GGCAGGCTGAGCGGGCTGTCCGGGGCAATGTACACCATCCCCGGGGAGTACTCCATGCCA-3'
Protein context (NP_065962.1, residues 1227-1247): YIAPDSPLSL[Pro1237=]AIVSIAVAGG